The following is an entry in ClinVar:

NM_000486.6(AQP2):c.102_104del (p.Trp34_Pro35delinsTer)

Gene: AQP2 (aquaporin 2; plus strand). Cytogenetic location: 12q13.12.
Variant type: Deletion.
Coding change: c.102_104del on transcript NM_000486.6 (MANE Select); coding-DNA positions 102 to 104, 3 bases deleted (GCC; older notation c.102_104delGCC).
Protein change: p.Trp34_Pro35delinsTer.
Molecular consequence: nonsense.
Genome position (GRCh38, 1-based): chr12:49,950,932-49,950,934, GCC deleted. VCF-style (leftmost placement, unchanged base first): chr12-49950931-GGCC-G. GRCh37 (hg19) VCF-style: chr12-50344714-GGCC-G.
Identifiers: ClinVar variation 1998571 (VCV001998571.4), dbSNP rs2547996966, ClinGen allele CA2580086371.

ClinVar aggregate classification (germline): Pathogenic (1 of 4 stars; one submission).

Submission:

Labcorp Genetics (formerly Invitae), Labcorp
Classification: Pathogenic. Last evaluated: 2022-05-25. Review status: criteria provided, single submitter. Criteria: Invitae Variant Classification Sherloc (09022015). Collection method: clinical testing. Allele origin: germline.
Comment: For these reasons, this variant has been classified as Pathogenic. This variant has not been reported in the literature in individuals affected with AQP2-related conditions. This variant is not present in population databases (gnomAD no frequency). This sequence change creates a premature translational stop signal (p.Trp34*) in the AQP2 gene. It is expected to result in an absent or disrupted protein product. Loss-of-function variants in AQP2 are known to be pathogenic (PMID: 9024277, 27156763).

Literature cited by the submitters: PubMed 9024277; PubMed 27156763.